The following is an entry in ClinVar:

ClinVar aggregate classification (germline): Uncertain significance (1 of 4 stars; one submission).

Conditions:
Cardiomyopathy (CMYO). Also called: Cardiomyopathies. Identifiers: Orphanet 167848, MedGen C0878544, MONDO:0004994, HP:0001638. Inheritance: Various modes of inheritance.

Submission:

Color Diagnostics, LLC DBA Color Health
Classification: Uncertain significance for Cardiomyopathy. Last evaluated: 2023-12-05. Review status: criteria provided, single submitter. Criteria: ACMG Guidelines, 2015. Collection method: clinical testing. Allele origin: germline.
Comment: Variant of Uncertain Significance due to insufficient evidence: This missense variant is located in the C-terminal plakin repeat domain A of the DSP protein. Computational prediction tools and conservation analyses suggest that this variant may not impact the protein function. Computational splicing tools suggest that this variant may not impact RNA splicing. To our knowledge, functional assays have not been performed for this variant nor has this variant been reported in individuals affected with cardiovascular disorders in the literature. This variant is rare in the general population and has been identified in 0/277264 chromosomes by the Genome Aggregation Database (gnomAD). Available evidence is insufficient to determine the pathogenicity of this variant conclusively.

NM_004415.4(DSP):c.5894A>G (p.Lys1965Arg)

Gene: DSP (desmoplakin; plus strand). Cytogenetic location: 6p24.3.
Variant type: single nucleotide variant.
Coding change: c.5894A>G on transcript NM_004415.4 (MANE Select); coding-DNA position 5894, A replaced by G.
Protein change: p.Lys1965Arg; replaces lysine 1965 with arginine.
Molecular consequence: missense variant.
Genome position (GRCh38, 1-based): chr6:7,583,156, A>G. VCF-style: chr6-7583156-A-G. GRCh37 (hg19) VCF-style: chr6-7583389-A-G.
Other names: c.5894A>G (LRG_423t1); c.4097A>G, p.Lys1366Arg (NM_001008844.3); c.4565A>G, p.Lys1522Arg (NM_001319034.2); short protein forms K1965R, K1522R, K1366R.
Identifiers: ClinVar variation 629344 (VCV000629344.4), dbSNP rs1561701637, ClinGen allele CA362689645.
Genomic context (GRCh38, chr6:7,583,156, plus strand): 5'-GCCCATATGGGTCCCATCGAGAGACCCAGACTGAGTGTGAGTGGACCGTTGACACCTCCA[A>G]GCTGGTGTTTGATGGGCTGAGGAAGAAGGTGACAGCAATGCAGCTCTATGAGTGTCAGCT-3'
Protein context (NP_004406.2, residues 1955-1975): TECEWTVDTS[Lys1965Arg]LVFDGLRKKV